The following is an entry in ClinVar:

NM_138694.4(PKHD1):c.274C>G (p.Arg92Gly)

Gene: PKHD1 (PKHD1 ciliary IPT domain containing fibrocystin/polyductin; minus strand). Cytogenetic location: 6p12.2.
Variant type: single nucleotide variant.
Coding change: c.274C>G on transcript NM_138694.4 (MANE Select); coding-DNA position 274, C replaced by G.
Protein change: p.Arg92Gly; replaces arginine 92 with glycine.
Molecular consequence: missense variant.
Genome position (GRCh38, 1-based): chr6:52,082,399, G>C on the plus strand (C>G on the coding strand, the complement: PKHD1 is on the minus strand). VCF-style: chr6-52082399-G-C. GRCh37 (hg19) VCF-style: chr6-51947197-G-C.
Other names: p.Arg92Gly; c.274C>G, p.Arg92Gly (NM_170724.3); short protein forms R92G.
Identifiers: ClinVar variation 3379683 (VCV003379683.1).

ClinVar aggregate classification (germline): Uncertain significance (1 of 4 stars; one submission).

gnomAD v4.1: 2 of 1,613,956 alleles (0.00012%); highest among the groups gnomAD compares: Non-Finnish European, 0.00017%; no homozygotes.

Submission:

Mayo Clinic Laboratories, Mayo Clinic
Classification: Uncertain significance. Last evaluated: 2024-03-28. Review status: criteria provided, single submitter. Criteria: ACMG Guidelines, 2015. Collection method: clinical testing. Allele origin: germline. Observed: 1 variant allele.
Comment: PM2, PM3_supporting, PM5

Literature cited by the submitters: PubMed 15698423; PubMed 33940108.